The following is an entry in ClinVar:

NM_001368894.2(PAX6):c.199G>A (p.Val67Met)

Gene: PAX6 (paired box 6; minus strand). Cytogenetic location: 11p13.
Variant type: single nucleotide variant.
Coding change: c.199G>A on transcript NM_001368894.2 (MANE Select); coding-DNA position 199, G replaced by A.
Protein change: p.Val67Met; replaces valine 67 with methionine.
Molecular consequence: missense variant. On other transcripts: 5 prime UTR variant (14), non-coding transcript variant (2), splice donor variant (8).
Genome position (GRCh38, 1-based): chr11:31,801,761, C>T on the plus strand (G>A on the coding strand, the complement: PAX6 is on the minus strand). VCF-style: chr11-31801761-C-T. GRCh37 (hg19) VCF-style: chr11-31823309-C-T.
Other names: c.157G>A, p.Val53Met (NM_000280.6, NM_001127612.3, NM_001258464.2 and 10 more transcripts); c.199G>A, p.Val67Met (NM_001258462.3, NM_001258463.2, NM_001310158.2 and 6 more transcripts); c.-583G>A (NM_001310160.2, NM_001368902.2, NM_001368905.2); c.-252G>A (NM_001310161.3, NM_001368899.2, NM_001368900.2 and 8 more transcripts); c.400G>A, p.Val134Met (NM_001368910.2); c.202G>A, p.Val68Met (NM_001368911.2); c.274G>A, p.Val92Met (NM_001368918.2, NM_001368919.2); c.232G>A, p.Val78Met (NM_001368920.2); and 2 more; short protein forms V134M, V53M, V67M, V68M, V78M, V92M.
Identifiers: ClinVar variation 2636324 (VCV002636324.1), dbSNP rs2496152990, ClinGen allele CA379959086.
Genomic context (GRCh38, chr11:31,801,761, plus strand): 5'-CACCGATTGCCCTGGGTCTGATGGAGCCAGTCTCGTAATACCTGCCCAGAATTTTACTCA[C>T]ACATCCGTTGGACACCTGCATAGGGGAAGTGGACAGAAAACCACATTATTAATAATTTCA-3'
Protein context (NP_001355823.1, residues 57-77): LDNQNVSNGC[Val67Met]SKILGRYYET

ClinVar aggregate classification (germline): Uncertain significance (1 of 4 stars; one submission).

Conditions:
PAX6-related disorder. Also called: PAX6-related disorders; PAX6-related condition.

Submission:

PreventionGenetics, part of Exact Sciences
Classification: Uncertain significance for PAX6-related condition. Last evaluated: 2022-10-26. Review status: criteria provided, single submitter. Criteria: ACMG Guidelines, 2015. Collection method: clinical testing. Allele origin: germline.
Comment: The PAX6 c.199G>A variant is predicted to result in the amino acid substitution p.Val67Met. This variant is also denoted as c.157G>A (p.Val53Met) in alternate transcript NM_000280. To our knowledge, this variant has not been reported in the literature or in a large population database, indicating this variant is rare. However, different variants that affect this same amino acid residue (reported as p.Val53Leu and p.Val53Gly) have been reported in patients with mild aniridia (Patient 5, Gronskov et al. 1999. PubMed ID: 10234503) and in a patient with cataracts and nystagmus (Cross et al. 2020. PubMed ID: 32360764). Although we suspect that this variant may be pathogenic, at this time, the clinical significance of this variant is uncertain due to the absence of conclusive functional and genetic evidence.